The following is an entry in ClinVar:

NM_153704.6(TMEM67):c.2266G>C (p.Glu756Gln)

Gene: TMEM67 (transmembrane protein 67; plus strand). Cytogenetic location: 8q22.1.
Variant type: single nucleotide variant.
Coding change: c.2266G>C on transcript NM_153704.6 (MANE Select); coding-DNA position 2266, G replaced by C.
Protein change: p.Glu756Gln; replaces glutamic acid 756 with glutamine.
Molecular consequence: missense variant. On other transcripts: non-coding transcript variant (1).
Genome position (GRCh38, 1-based): chr8:93,803,628, G>C. VCF-style: chr8-93803628-G-C. GRCh37 (hg19) VCF-style: chr8-94815856-G-C.
Other names: c.2023G>C, p.Glu675Gln (NM_001142301.1); short protein forms E675Q, E756Q.
Identifiers: ClinVar variation 2499956 (VCV002499956.1), dbSNP rs758142959, ClinGen allele CA4808254.

ClinVar aggregate classification (germline): Uncertain significance (1 of 4 stars; one submission).

Allele frequency attached by ClinVar (database versions not stated): gnomAD 0.00001; ExAC 0.00002.
gnomAD v4.1: 14 of 1,603,118 alleles (0.00087%); highest among the groups gnomAD compares: South Asian, 0.013%; no homozygotes.

Submission:

GeneDx
Classification: Uncertain significance. Last evaluated: 2023-04-17. Review status: criteria provided, single submitter. Criteria: GeneDx Variant Classification Process June 2021. Collection method: clinical testing. Allele origin: germline. Affected: yes.
Comment: In silico analysis supports that this missense variant has a deleterious effect on protein structure/function; In silico analysis suggests this variant may impact gene splicing. In the absence of RNA/functional studies, the actual effect of this sequence change is unknown.; Has not been previously published as pathogenic or benign to our knowledge